The following is an entry in ClinVar:

NM_000138.5(FBN1):c.7507A>C (p.Thr2503Pro)

Gene: FBN1 (fibrillin 1; minus strand). Cytogenetic location: 15q21.1.
Variant type: single nucleotide variant.
Coding change: c.7507A>C on transcript NM_000138.5 (MANE Select); coding-DNA position 7507, A replaced by C.
Protein change: p.Thr2503Pro; replaces threonine 2503 with proline.
Molecular consequence: missense variant.
Genome position (GRCh38, 1-based): chr15:48,422,015, T>G on the plus strand (A>C on the coding strand, the complement: FBN1 is on the minus strand). VCF-style: chr15-48422015-T-G. GRCh37 (hg19) VCF-style: chr15-48714212-T-G.
Other names: c.7507A>C, p.Thr2503Pro (NM_001406716.1); short protein forms T2503P.
Identifiers: ClinVar variation 1759237 (VCV001759237.2), dbSNP rs2505399666, ClinGen allele CA392325989.

ClinVar aggregate classification (germline): Uncertain significance (1 of 4 stars; one submission).

Conditions:
Familial thoracic aortic aneurysm and aortic dissection (TAAD). Also called: Thoracic aortic aneurysms and dissections. Identifiers: Orphanet 91387, MedGen C4707243, MONDO:0019625.

Submission:

Ambry Genetics
Classification: Uncertain significance for Familial thoracic aortic aneurysm and aortic dissection. Last evaluated: 2021-03-09. Review status: criteria provided, single submitter. Criteria: Ambry Variant Classification Scheme 2023. Collection method: clinical testing. Allele origin: germline.
Comment: The p.T2503P variant (also known as c.7507A>C), located in coding exon 60 of the FBN1 gene, results from an A to C substitution at nucleotide position 7507. The threonine at codon 2503 is replaced by proline, an amino acid with highly similar properties. This amino acid position is highly conserved in available vertebrate species. In addition, this alteration is predicted to be deleterious by in silico analysis. Since supporting evidence is limited at this time, the clinical significance of this alteration remains unclear.